The following is an entry in ClinVar:

NM_000532.5(PCCB):c.1531A>C (p.Thr511Pro)

Gene: PCCB (propionyl-CoA carboxylase subunit beta; plus strand). Cytogenetic location: 3q22.3.
Variant type: single nucleotide variant.
Coding change: c.1531A>C on transcript NM_000532.5 (MANE Select); coding-DNA position 1531, A replaced by C.
Protein change: p.Thr511Pro; replaces threonine 511 with proline.
Molecular consequence: missense variant.
Genome position (GRCh38, 1-based): chr3:136,329,937, A>C. VCF-style: chr3-136329937-A-C. GRCh37 (hg19) VCF-style: chr3-136048779-A-C.
Other names: c.1591A>C, p.Thr531Pro (NM_001178014.2); short protein forms T511P, T531P.
Identifiers: ClinVar variation 2119021 (VCV002119021.4), dbSNP rs2529980384, ClinGen allele CA354650017.
Genomic context (GRCh38, chr3:136,329,937, plus strand): 5'-ATCCACTCCCTTTTCTGTGCTTCACCAGGGTTTGTGGATGACATCATCCAACCTTCTTCC[A>C]CACGTGCCCGAATCTGCTGTGACCTGGATGTCTTGGCCAGCAAGAAGGTACAACGTCCTT-3'
Protein context (NP_000523.2, residues 501-521): FVDDIIQPSS[Thr511Pro]RARICCDLDV

ClinVar aggregate classification (germline): Uncertain significance (1 of 4 stars; one submission).

Conditions:
Propionic acidemia (PROP). Also called: GLYCINEMIA, KETOTIC; HYPERGLYCINEMIA WITH KETOACIDOSIS AND LEUKOPENIA; KETOTIC HYPERGLYCINEMIA. Identifiers: Orphanet 35, MedGen C0268579, MONDO:0011628, OMIM 606054, HP:0003571.

Submission:

Labcorp Genetics (formerly Invitae), Labcorp
Classification: Uncertain significance for Propionic acidemia. Last evaluated: 2025-03-17. Review status: criteria provided, single submitter. Criteria: Invitae Variant Classification Sherloc (09022015). Collection method: clinical testing. Allele origin: germline.
Comment: This sequence change replaces threonine, which is neutral and polar, with proline, which is neutral and non-polar, at codon 511 of the PCCB protein (p.Thr511Pro). This variant is not present in population databases (gnomAD no frequency). This variant has not been reported in the literature in individuals affected with PCCB-related conditions. ClinVar contains an entry for this variant (Variation ID: 2119021). Invitae Evidence Modeling of protein sequence and biophysical properties (such as structural, functional, and spatial information, amino acid conservation, physicochemical variation, residue mobility, and thermodynamic stability) indicates that this missense variant is expected to disrupt PCCB protein function with a positive predictive value of 95%. In summary, the available evidence is currently insufficient to determine the role of this variant in disease. Therefore, it has been classified as a Variant of Uncertain Significance.